The following is an entry in ClinVar:

ClinVar aggregate classification (germline): Pathogenic (1 of 4 stars; one submission).

Conditions:
Tooth agenesis, selective, 1. Also called: HYPODONTIA/OLIGODONTIA 1; SECOND PREMOLARS AND THIRD MOLARS, ABSENCE OF. Identifiers: Orphanet 99798, MedGen C3489529, MONDO:0007129, OMIM 106600. Disease mechanism: loss of function.

Allele frequency attached by ClinVar (database versions not stated): gnomAD 0.00002; gnomAD exomes 0.00003; TOPMed 0.00004; ExAC 0.00005.

Submission:

Stomatology Center, Xiangya Hospital, Central South University
Classification: Pathogenic for Tooth agenesis, selective, 1. Review status: criteria provided, single submitter. Criteria: ACMG Guidelines, 2015. Collection method: research. Allele origin: unknown, not applicable. Inheritance: Autosomal dominant inheritance. Affected: yes. Observed: 1 heterozygote. Functional consequence: variation affecting protein structure.
Comment: We conducted whole-exome and Sanger sequencing in family with non-syndromic tooth agenesis, followed by bioinformatics analysis to confirm variant and predict their functional impact. To investigate the effects of MSX1 variants on protein function, we conducted the predictions the secondary and tertiary structures of MSX1 protein. The missense variant p.P247S led to the substitution of a single amino acid and caused alterations in the secondary structure, while the HD remained unaffected. However, we examined the expression of BMP4 following overexpression of wild-type and variant MSX1 protein via Western blotting. Our results demonstrated a decrease in BMP4 expression in P247S group. In summary, the P247S variant meets our criteria to be classified as pathogenic based upon segregation studies, absence from controls, and functional evidence.

NM_002448.3(MSX1):c.739C>T (p.Pro247Ser)

Gene: MSX1 (msh homeobox 1; plus strand). Cytogenetic location: 4p16.2.
Variant type: single nucleotide variant.
Coding change: c.739C>T on transcript NM_002448.3 (MANE Select); coding-DNA position 739, C replaced by T.
Protein change: p.Pro247Ser; replaces proline 247 with serine.
Molecular consequence: missense variant.
Genome position (GRCh38, 1-based): chr4:4,862,970, C>T. VCF-style: chr4-4862970-C-T. GRCh37 (hg19) VCF-style: chr4-4864697-C-T.
Other names: short protein forms P247S.
Identifiers: ClinVar variation 3242443 (VCV003242443.3), dbSNP rs761710147.